The following is an entry in ClinVar:

ClinVar aggregate classification (germline): Uncertain significance (1 of 4 stars; one submission).

Conditions:
Ullrich congenital muscular dystrophy 2 (UCMD2). Identifiers: Orphanet 75840, MedGen C4225314, MONDO:0014654, OMIM 616470.
Bethlem myopathy 2 (BTHLM2). Identifiers: Orphanet 536516, Orphanet 610, MedGen C4225313, MONDO:0034022, OMIM 616471.

Allele frequency attached by ClinVar (database versions not stated): TOPMed below 0.00001; gnomAD exomes 0.00003.
gnomAD v4.1: 38 of 1,613,948 alleles (0.0024%); highest among the groups gnomAD compares: Non-Finnish European, 0.0032%; no homozygotes.

Submission:

Labcorp Genetics (formerly Invitae), Labcorp
Classification: Uncertain significance for Bethlem myopathy 2; Ullrich congenital muscular dystrophy 2. Last evaluated: 2025-08-17. Review status: criteria provided, single submitter. Criteria: Invitae Variant Classification Sherloc (09022015). Collection method: clinical testing. Allele origin: germline.
Comment: This sequence change replaces methionine, which is neutral and non-polar, with threonine, which is neutral and polar, at codon 343 of the COL12A1 protein (p.Met343Thr). This variant is present in population databases (rs752475311, gnomAD 0.0009%). This variant has not been reported in the literature in individuals affected with COL12A1-related conditions. ClinVar contains an entry for this variant (Variation ID: 2927770). Invitae Evidence Modeling of protein sequence and biophysical properties (such as structural, functional, and spatial information, amino acid conservation, physicochemical variation, residue mobility, and thermodynamic stability) indicates that this missense variant is not expected to disrupt COL12A1 protein function with a negative predictive value of 80%. In summary, the available evidence is currently insufficient to determine the role of this variant in disease. Therefore, it has been classified as a Variant of Uncertain Significance.

NM_004370.6(COL12A1):c.1028T>C (p.Met343Thr)

Gene: COL12A1 (collagen type XII alpha 1 chain; minus strand). Cytogenetic location: 6q13.
Variant type: single nucleotide variant.
Coding change: c.1028T>C on transcript NM_004370.6 (MANE Select); coding-DNA position 1028, T replaced by C.
Protein change: p.Met343Thr; replaces methionine 343 with threonine.
Molecular consequence: missense variant. On other transcripts: intron variant (2).
Genome position (GRCh38, 1-based): chr6:75,184,114, A>G on the plus strand (T>C on the coding strand, the complement: COL12A1 is on the minus strand). VCF-style: chr6-75184114-A-G. GRCh37 (hg19) VCF-style: chr6-75893830-A-G.
Other names: c.1028T>C, p.Met343Thr (NM_001424113.1, NM_001424114.1, NM_001424115.1); c.73+18606T>C (NM_001424116.1, NM_080645.3); short protein forms M343T.
Identifiers: ClinVar variation 2927770 (VCV002927770.3), dbSNP rs752475311, ClinGen allele CA141030873.
Genomic context (GRCh38, chr6:75,184,114, plus strand): 5'-CCAGTCACTGGACTAGGAGATGGATTCCAATTTAGCTTAACATATTTTGAAGAGACTTCC[A>G]TGGCAATCAAATTTGAAGGAGGCTCAACAACTAAAAAGTTACAAGCAGACAGTGATTAAT-3'
Protein context (NP_004361.3, residues 333-353): VVEPPSNLIA[Met343Thr]EVSSKYVKLN